The following is an entry in ClinVar:

ClinVar aggregate classification (germline): Benign/Likely benign. Review status: criteria provided, multiple submitters, no conflicts (2 of 4 stars). 3 submissions from 3 submitters: Benign (1); Likely benign (2). Last evaluated 2026-07-10.

Conditions:
Rhabdoid tumor predisposition syndrome 2 (RTPS2). Identifiers: Orphanet 231108, Orphanet 69077, MedGen C2750074, MONDO:0013224, OMIM 613325.
Hereditary cancer-predisposing syndrome. Also called: Hereditary neoplastic syndrome; Neoplastic Syndromes, Hereditary; Tumor predisposition; Hereditary Cancer Syndrome. Identifiers: Orphanet 140162, MedGen C0027672, MeSH D009386, MONDO:0015356.

Allele frequency attached by ClinVar (database versions not stated): TOPMed 0.00001.
gnomAD v4.1: 1 of 1,613,652 alleles (0.000062%); highest among the groups gnomAD compares: East Asian, 0.0022%; no homozygotes.

Submissions (3):

Myriad Genetics, Inc.
Classification: Benign for Rhabdoid tumor predisposition syndrome 2. Last evaluated: 2026-07-10. Review status: criteria provided, single submitter. Criteria: Myriad Autosomal Dominant, Autosomal Recessive and X-Linked Classification Criteria (2023). Collection method: clinical testing. Allele origin: unknown.
Comment: This variant is considered benign. This variant is a silent/synonymous amino acid change and it is not expected to impact splicing.

Labcorp Genetics (formerly Invitae), Labcorp
Classification: Likely benign for Rhabdoid tumor predisposition syndrome 2. Last evaluated: 2024-02-09. Review status: criteria provided, single submitter. Criteria: Invitae Variant Classification Sherloc (09022015). Collection method: clinical testing. Allele origin: germline.

Ambry Genetics
Classification: Likely benign for Hereditary cancer-predisposing syndrome. Last evaluated: 2020-11-23. Review status: criteria provided, single submitter. Criteria: Ambry Variant Classification Scheme 2023. Collection method: clinical testing. Allele origin: germline.

NM_003072.5(SMARCA4):c.1260G>T (p.Val420=)

Gene: SMARCA4 (SWI/SNF related BAF chromatin remodeling complex subunit ATPase 4; plus strand). Cytogenetic location: 19p13.2.
Variant type: single nucleotide variant.
Coding change: c.1260G>T on transcript NM_003072.5 (MANE Select); coding-DNA position 1260, G replaced by T.
Protein change: p.Val420=; no amino-acid change (valine 420 retained).
Molecular consequence: synonymous variant. On other transcripts: non-coding transcript variant (1).
Genome position (GRCh38, 1-based): chr19:10,991,164, G>T. VCF-style: chr19-10991164-G-T. GRCh37 (hg19) VCF-style: chr19-11101840-G-T.
Other names: c.1260G>T, p.Val420= (NM_001128844.3, NM_001128845.2, NM_001128846.2 and 4 more transcripts).
Identifiers: ClinVar variation 755274 (VCV000755274.14), dbSNP rs778628081, ClinGen allele CA505490061.